The following is an entry in ClinVar:

ClinVar aggregate classification (germline): Uncertain significance. Review status: criteria provided, multiple submitters, no conflicts (2 of 4 stars). 4 submissions from 4 submitters: Uncertain significance (4). Last evaluated 2025-09-05.

Conditions:
Inborn genetic diseases. Identifiers: MedGen C0950123, MeSH D030342.
Bardet-Biedl syndrome 8 (BBS8). Identifiers: Orphanet 110, MedGen C1859566, MONDO:0014436, OMIM 615985.
Retinitis pigmentosa 51 (RP51). Identifiers: Orphanet 791, MedGen C3150715, MONDO:0013274, OMIM 613464.
Bardet-Biedl syndrome (BBS). Identifiers: Orphanet 110, MedGen C0752166, MONDO:0015229.
TTC8-related disorder. Also called: TTC8-related condition.

Allele frequency attached by ClinVar (database versions not stated): gnomAD exomes below 0.00001; gnomAD 0.00002; TOPMed 0.00002.
gnomAD v4.1: 5 of 1,612,804 alleles (0.00031%); highest among the groups gnomAD compares: African/African-American, 0.0067%; no homozygotes.

Submissions (4):

PreventionGenetics, part of Exact Sciences
Classification: Uncertain significance for TTC8-related condition. Last evaluated: 2025-09-05. Review status: criteria provided, single submitter. Criteria: ACMG Guidelines, 2015. Collection method: clinical testing. Allele origin: germline.
Comment: The TTC8 c.43T>C variant is predicted to result in the amino acid substitution p.Phe15Leu. To our knowledge, this variant has not been reported in the literature or in a large population database (gnomAD), indicating this variant is rare. At this time, the clinical significance of this variant is uncertain due to the absence of conclusive functional and genetic evidence.

Ambry Genetics
Classification: Uncertain significance for Inborn genetic diseases. Last evaluated: 2025-08-21. Review status: criteria provided, single submitter. Criteria: Ambry Variant Classification Scheme 2023. Collection method: clinical testing. Allele origin: germline.

Labcorp Genetics (formerly Invitae), Labcorp
Classification: Uncertain significance for Bardet-Biedl syndrome. Last evaluated: 2024-11-04. Review status: criteria provided, single submitter. Criteria: Invitae Variant Classification Sherloc (09022015). Collection method: clinical testing. Allele origin: germline.
Comment: This sequence change replaces phenylalanine, which is neutral and non-polar, with leucine, which is neutral and non-polar, at codon 15 of the TTC8 protein (p.Phe15Leu). This variant is not present in population databases (gnomAD no frequency). This variant has not been reported in the literature in individuals affected with TTC8-related conditions. ClinVar contains an entry for this variant (Variation ID: 1385950). Invitae Evidence Modeling of protein sequence and biophysical properties (such as structural, functional, and spatial information, amino acid conservation, physicochemical variation, residue mobility, and thermodynamic stability) indicates that this missense variant is not expected to disrupt TTC8 protein function with a negative predictive value of 80%. In summary, the available evidence is currently insufficient to determine the role of this variant in disease. Therefore, it has been classified as a Variant of Uncertain Significance.

Fulgent Genetics
Classification: Uncertain significance for Retinitis pigmentosa 51; Bardet-Biedl syndrome 8. Last evaluated: 2021-09-21. Review status: criteria provided, single submitter. Criteria: ACMG Guidelines, 2015. Collection method: clinical testing. Allele origin: unknown.

NM_144596.4(TTC8):c.43T>C (p.Phe15Leu)

Gene: TTC8 (tetratricopeptide repeat domain 8; plus strand). Cytogenetic location: 14q31.3.
Variant type: single nucleotide variant.
Coding change: c.43T>C on transcript NM_144596.4 (MANE Select); coding-DNA position 43, T replaced by C.
Protein change: p.Phe15Leu; replaces phenylalanine 15 with leucine.
Molecular consequence: missense variant. On other transcripts: 5 prime UTR variant (2), non-coding transcript variant (1).
Genome position (GRCh38, 1-based): chr14:88,824,750, T>C. VCF-style: chr14-88824750-T-C. GRCh37 (hg19) VCF-style: chr14-89291094-T-C.
Other names: c.43T>C (NM_198309.2, NM_144596.3); c.43T>C, p.Phe15Leu (NM_001288781.1, NM_001366535.2, NM_001366536.2 and 2 more transcripts); c.-520T>C (NM_001288782.1); c.-615T>C (NM_001288783.1); short protein forms F15L.
Identifiers: ClinVar variation 1385950 (VCV001385950.10), dbSNP rs1379428942, ClinGen allele CA390567663.